The following is an entry in ClinVar:

NM_000554.6(CRX):c.494del (p.Pro165fs)

Gene: CRX (cone-rod homeobox; plus strand). Cytogenetic location: 19q13.33.
Variant type: Deletion.
Coding change: c.494del on transcript NM_000554.6 (MANE Select); coding-DNA position 494, one base deleted (C; older notation c.494delC).
Protein change: p.Pro165fs; shifts the reading frame from proline 165.
Molecular consequence: frameshift variant.
Genome position (GRCh38, 1-based): chr19:47,839,561, C deleted; the last of 3 consecutive C bases (chr19:47,839,559-47,839,561); deleting any one gives the same sequence. VCF-style (leftmost placement, unchanged base first): chr19-47839558-GC-G. GRCh37 (hg19) VCF-style: chr19-48342815-GC-G.
Other names: short protein forms P165fs.
Identifiers: ClinVar variation 1478978 (VCV001478978.6), dbSNP rs2123743155, ClinGen allele CA2573156491.
Genomic context (GRCh38, chr19:47,839,558, plus strand): 5'-CCCCTCTGCCCGGCCCCTCAGGCTCCCCAACCACGGCAGTGGCCACTGTGTCCATCTGGA[GC>G]CCAGCCTCAGAGTCCCCTTTGCCTGAGGCGCAGCGGGCTGGGCTGGTGGCCTCAGGGCCG-3'

ClinVar aggregate classification (germline): Pathogenic (1 of 4 stars; one submission).

Conditions:
Cone-rod dystrophy 2 (CORD2). Also called: CONE-ROD RETINAL DYSTROPHY; Cone-rod retinal dystrophy 2. Identifiers: Orphanet 1872, MedGen C3489532, MONDO:0007362, OMIM 120970.
Leber congenital amaurosis 7 (LCA7). Identifiers: Orphanet 65, MedGen C3151192, MONDO:0013449, OMIM 613829.

Submission:

Labcorp Genetics (formerly Invitae), Labcorp
Classification: Pathogenic for Cone-rod dystrophy 2; Leber congenital amaurosis 7. Last evaluated: 2024-04-17. Review status: criteria provided, single submitter. Criteria: Invitae Variant Classification Sherloc (09022015). Collection method: clinical testing. Allele origin: germline.
Comment: This sequence change creates a premature translational stop signal (p.Pro165Glnfs*22) in the CRX gene. While this is not anticipated to result in nonsense mediated decay, it is expected to disrupt the last 135 amino acid(s) of the CRX protein. This variant is not present in population databases (gnomAD no frequency). This variant has not been reported in the literature in individuals affected with CRX-related conditions. ClinVar contains an entry for this variant (Variation ID: 1478978). This variant disrupts a region of the CRX protein in which other variant(s) (p.Tyr258*) have been determined to be pathogenic (PMID: 22968130, 25270190). This suggests that this is a clinically significant region of the protein, and that variants that disrupt it are likely to be disease-causing. For these reasons, this variant has been classified as Pathogenic.

Literature cited by the submitters: PubMed 22968130; PubMed 25270190.